The following is an entry in ClinVar:

NM_198253.3(TERT):c.1951-205G>A

Gene: TERT (telomerase reverse transcriptase; minus strand). Cytogenetic location: 5p15.33.
Variant type: single nucleotide variant.
Coding change: c.1951-205G>A on transcript NM_198253.3 (MANE Select); 205 bases into the intron before coding-DNA position 1951, G replaced by A.
Molecular consequence: intron variant.
Genome position (GRCh38, 1-based): chr5:1,279,675, C>T on the plus strand (G>A on the coding strand, the complement: TERT is on the minus strand). VCF-style: chr5-1279675-C-T. GRCh37 (hg19) VCF-style: chr5-1279790-C-T.
Other names: c.1951-205G>A (NM_001193376.3).
Identifiers: ClinVar variation 225783 (VCV000225783.18), dbSNP rs10069690, ClinGen allele CA11993112.

ClinVar aggregate classification (germline): Benign. Review status: criteria provided, multiple submitters, no conflicts (2 of 4 stars). 4 submissions from 4 submitters: Benign (3). 1 of the submissions does not count toward it. Last evaluated 2026-01-26.

Conditions:
Chronic osteomyelitis. Identifiers: MedGen C0008707.
Dyskeratosis congenita, autosomal dominant 2. Identifiers: MedGen C3151443, MONDO:0013521, OMIM 613989.
Idiopathic Pulmonary Fibrosis. Also called: Idiopathic fibrosing alveolitis, chronic form; idiopathic fibrosing alveolitis. Identifiers: Orphanet 2032, MedGen C1800706, MeSH D054990, MONDO:0800504.

Allele frequency attached by ClinVar (database versions not stated): gnomAD 0.35840 and 0.34981; TOPMed 0.35308; 1000 Genomes Project 0.34764; 1000 Genomes Project 30x 0.35369.

Submissions (4):

Labcorp Genetics (formerly Invitae), Labcorp
Classification: Benign for Dyskeratosis congenita, autosomal dominant 2; Idiopathic Pulmonary Fibrosis. Last evaluated: 2026-01-26. Review status: criteria provided, single submitter. Criteria: Invitae Variant Classification Sherloc (09022015). Collection method: clinical testing. Allele origin: germline.

GeneDx
Classification: Benign. Last evaluated: 2018-10-24. Review status: criteria provided, single submitter. Criteria: GeneDx Variant Classification Process June 2021. Collection method: clinical testing. Allele origin: germline. Affected: yes.
Comment: This variant is associated with the following publications: (PMID: 26143636, 25919761, 26053551, 23535731, 22037553, 23066086)

Breakthrough Genomics
Classification: Benign. Review status: criteria provided, single submitter. Criteria: ACMG Guidelines, 2015. Collection method: not provided. Allele origin: germline. Inheritance: Autosomal dominant inheritance. Affected: yes.

Department of Orthopeadics and Traumatology, Nanfang Hospital
Classification: association for Chronic osteomyelitis. Last evaluated: 2016-09-01. Review status: no assertion criteria provided. Collection method: case-control. Allele origin: unknown. Affected: yes and no. Observed: 45 variant alleles. Not counted in ClinVar's aggregate classification.